The following is an entry in ClinVar:

ClinVar aggregate classification (germline): Benign. Review status: criteria provided, multiple submitters, no conflicts (2 of 4 stars). 2 submissions from 2 submitters: Benign (2). Last evaluated 2018-06-19.

Submissions (2):

GeneDx
Classification: Benign. Last evaluated: 2018-06-19. Review status: criteria provided, single submitter. Criteria: GeneDx Variant Classification (06012015). Collection method: clinical testing. Allele origin: germline. Affected: yes.
Comment: This variant is considered likely benign or benign based on one or more of the following criteria: it is a conservative change, it occurs at a poorly conserved position in the protein, it is predicted to be benign by multiple in silico algorithms, and/or has population frequency not consistent with disease.

PreventionGenetics, part of Exact Sciences
Classification: Benign. Review status: criteria provided, single submitter. Criteria: ACMG Guidelines, 2015. Collection method: clinical testing. Allele origin: germline.

NM_000079.4(CHRNA1):c.1003-33_1003-31del

Gene: CHRNA1 (cholinergic receptor nicotinic alpha 1 subunit; minus strand). Cytogenetic location: 2q31.1.
Variant type: Microsatellite.
Coding change: c.1003-33_1003-31del on transcript NM_000079.4 (MANE Select); 33 bases into the intron before coding-DNA position 1003 through 31 bases into the intron before coding-DNA position 1003, 3 bases deleted (AAT; older notation c.1003-33_1003-31delAAT).
Molecular consequence: intron variant.
Genome position (GRCh38, 1-based): chr2:174,748,850-174,748,852, ATT deleted on the plus strand (AAT on the coding strand, the reverse complement: CHRNA1 is on the minus strand); deleting any 3 consecutive bases within chr2:174,748,850-174,748,855 gives the same sequence; the c. name uses the placement nearest the transcript's 3' end. VCF-style (leftmost placement, unchanged base first): chr2-174748849-AATT-A. GRCh37 (hg19) VCF-style: chr2-175613577-AATT-A.
Other names: c.1078-33_1078-31del (NM_001039523.3); c.1078-33_1078-31delAAT (NM_001039523.2); c.1003-33_1003-31delAAT (NM_000079.3).
Identifiers: ClinVar variation 257231 (VCV000257231.3), dbSNP rs150689366, ClinGen allele CA1974393.